The following is an entry in ClinVar:

ClinVar aggregate classification (germline): Pathogenic/Likely pathogenic. Review status: criteria provided, multiple submitters, no conflicts (2 of 4 stars). 10 submissions from 10 submitters: Pathogenic (5); Likely pathogenic (2). 3 of the submissions do not count toward it. Last evaluated 2025-12-29.

Conditions:
Neonatal pseudo-hydrocephalic progeroid syndrome. Also called: Wiedemann-Rautenstrauch syndrome. Identifiers: Orphanet 3455, MedGen C0406586, MONDO:0009910, OMIM 264090.
Leukodystrophy, hypomyelinating, 7, with or without oligodontia and/or hypogonadotropic hypogonadism (HLD7). Also called: LEUKOENCEPHALOPATHY, HYPOMYELINATING, WITH ATAXIA AND DELAYED DENTITION; ATAXIA, DELAYED DENTITION, AND HYPOMYELINATION; LEUKODYSTROPHY, HYPOMYELINATING, 7, WITH OLIGODONTIA; LEUKODYSTROPHY, HYPOMYELINATING, 7, WITH OLIGODONTIA AND HYPOGONADOTROPIC HYPOGONADISM; LEUKODYSTROPHY, HYPOMYELINATING, 7, WITHOUT OLIGODONTIA OR HYPOGONADOTROPIC HYPOGONADISM; Ataxia, Delayed Dentition and Hypomyelination (ADDH). Identifiers: Orphanet 137639, Orphanet 447893, Orphanet 447896, Orphanet 77295, Orphanet 88637, MedGen CN034185, MONDO:0011897, OMIM 607694.
Hereditary ataxia. Also called: Hereditary Ataxias. Identifiers: Orphanet 183518, MedGen C0004138, MONDO:0100309, MONDO:0000557.

Allele frequency attached by ClinVar (database versions not stated): ExAC 0.00001; gnomAD 0.00001; TOPMed 0.00001.
gnomAD v4.1: 3 of 1,613,828 alleles (0.00019%); highest among the groups gnomAD compares: East Asian, 0.0022%; no homozygotes.

Submissions (10):

Center for Genomic Medicine, Rigshospitalet, Copenhagen University Hospital
Classification: Likely pathogenic. Last evaluated: 2025-12-29. Review status: criteria provided, single submitter. Criteria: ACMG Guidelines, 2015. Collection method: clinical testing. Allele origin: germline.

GeneDx
Classification: Pathogenic. Last evaluated: 2024-04-01. Review status: criteria provided, single submitter. Criteria: GeneDx Variant Classification Process June 2021. Collection method: clinical testing. Allele origin: germline. Affected: yes.
Comment: Nonsense variant predicted to result in protein truncation or nonsense mediated decay in a gene for which loss of function is a known mechanism of disease; Not observed at significant frequency in large population cohorts (gnomAD); This variant is associated with the following publications: (PMID: 36385762, 34758253, 36354755, 33559318, 36825045, 30414627)

Broad Center for Mendelian Genomics, Broad Institute of MIT and Harvard
Classification: Pathogenic for Leukodystrophy, hypomyelinating, 7, with or without oligodontia and/or hypogonadotropic hypogonadism. Last evaluated: 2023-01-24. Review status: criteria provided, single submitter. Criteria: ACMG Guidelines, 2015. Collection method: curation. Allele origin: germline. Inheritance: Autosomal recessive inheritance.
Comment: The p.Arg669Ter variant in POLR3A has been reported in 2 individuals with POLR3A-related disorders (PMID: 30414627, 33559318) and has been identified in 0.005% (1/19950) of East Asian chromosomes by the Genome Aggregation Database (gnomAD; dbSNP ID: rs774007232). Although this variant has been seen in the general population in a heterozygous state, its frequency is low enough to be consistent with a recessive carrier frequency. This variant has also been reported in ClinVar (Variation ID#: 617891) and has been interpreted as pathogenic or likely pathogenic by multiple submitters. Of the 2 affected individuals, 1 was a compound heterozygote that carried a reported pathogenic variant in trans, which increases the likelihood that the p.Arg669Ter variant is pathogenic (VariationID: 449556; PMID: 33559318). This nonsense variant leads to a premature termination codon at position 669, which is predicted to lead to a truncated or absent protein. Loss of function of the POLR3A gene is an established disease mechanism in autosomal recessive POLR3A-related disorders. In summary, this variant meets criteria to be classified as pathogenic for autosomal recessive POLR3A-related disorders. ACMG/AMP Criteria applied: PVS1, PM3, PM2_supporting (Richards 2015).

Labcorp Genetics (formerly Invitae), Labcorp
Classification: Pathogenic. Last evaluated: 2022-07-19. Review status: criteria provided, single submitter. Criteria: Invitae Variant Classification Sherloc (09022015). Collection method: clinical testing. Allele origin: germline.
Comment: This premature translational stop signal has been observed in individual(s) with clinical features of Wiedemann-Rautenstrauch Syndrome (PMID: 30414627). For these reasons, this variant has been classified as Pathogenic. Algorithms developed to predict the effect of sequence changes on RNA splicing suggest that this variant may create or strengthen a splice site. ClinVar contains an entry for this variant (Variation ID: 617891). This variant is present in population databases (rs774007232, gnomAD 0.005%). This sequence change creates a premature translational stop signal (p.Arg669*) in the POLR3A gene. It is expected to result in an absent or disrupted protein product. Loss-of-function variants in POLR3A are known to be pathogenic (PMID: 21855841, 25339210, 27612211, 30414627, 30450527).

Cambridge Genomics Laboratory, East Genomic Laboratory Hub, NHS Genomic Medicine Service
Classification: Likely pathogenic for Hereditary ataxia. Last evaluated: 2020-05-05. Review status: criteria provided, single submitter. Criteria: ACGS Best Practice Guidelines for Variant Classification in Rare Disease 2020. Collection method: clinical testing. Allele origin: germline. Affected: yes. Observed: 1 variant allele.

Kasturba Medical College, Manipal, Kasturba Medical College, Manipal, Manipal Academy of Higher Education, Manipal, India
Classification: Pathogenic for Neonatal pseudo-hydrocephalic progeroid syndrome. Last evaluated: 2019-05-12. Review status: criteria provided, single submitter. Criteria: ACMG Guidelines, 2015. Collection method: clinical testing. Allele origin: inherited. Inheritance: Autosomal recessive inheritance. Affected: yes. Observed: 2 variant alleles.

Cole/Wambach Lab, Washington University in St. Louis
Classification: Pathogenic for Neonatal pseudo-hydrocephalic progeroid syndrome. Last evaluated: 2018-10-01. Review status: criteria provided, single submitter. Criteria: ACMG Guidelines, 2015. Collection method: research. Allele origin: inherited. Affected: yes. Observed: 1 variant allele.
Comment: in trans with c.3337-11T>C

OMIM
Classification: Pathogenic for WIEDEMANN-RAUTENSTRAUCH SYNDROME. Last evaluated: 2024-04-02. Review status: no assertion criteria provided. Collection method: literature only. Allele origin: germline. Not counted in ClinVar's aggregate classification.

Genomics England Pilot Project, Genomics England
Classification: Likely pathogenic for Leukodystrophy, hypomyelinating, 7, with or without oligodontia and/or hypogonadotropic hypogonadism. Review status: no assertion criteria provided. Criteria: ACGS Guidelines, 2016. Collection method: clinical testing. Allele origin: germline. Affected: yes. Not counted in ClinVar's aggregate classification.

University of Washington Center for Mendelian Genomics, University of Washington
Classification: Likely pathogenic for Wiedemann-Rautenstrauch Syndrome. Review status: no assertion criteria provided. Collection method: research. Allele origin: inherited. Affected: yes. Not counted in ClinVar's aggregate classification.

Literature cited by the submitters: PubMed 28783042 (cited by Center for Genomic Medicine, Rigshospitalet, Copenhagen University Hospital); PubMed 38700104 (cited by Center for Genomic Medicine, Rigshospitalet, Copenhagen University Hospital); PubMed 30414627 (cited by 4 submitters); PubMed 21855841 (cited by Labcorp Genetics (formerly Invitae), Labcorp); PubMed 25339210 (cited by Labcorp Genetics (formerly Invitae), Labcorp); PubMed 27612211 (cited by Labcorp Genetics (formerly Invitae), Labcorp); PubMed 30450527 (cited by Labcorp Genetics (formerly Invitae), Labcorp).

NM_007055.4(POLR3A):c.2005C>T (p.Arg669Ter)

Gene: POLR3A (RNA polymerase III subunit A; minus strand). Cytogenetic location: 10q22.3.
Variant type: single nucleotide variant.
Coding change: c.2005C>T on transcript NM_007055.4 (MANE Select); coding-DNA position 2005, C replaced by T.
Protein change: p.Arg669Ter; replaces arginine 669 with a stop codon.
Molecular consequence: nonsense.
Genome position (GRCh38, 1-based): chr10:78,007,771, G>A on the plus strand (C>T on the coding strand, the complement: POLR3A is on the minus strand). VCF-style: chr10-78007771-G-A. GRCh37 (hg19) VCF-style: chr10-79767529-G-A.
Other names: NM_007055.4(POLR3A):c.2005C>T; p.Arg669Ter; short protein forms R669*.
Identifiers: ClinVar variation 617891 (VCV000617891.22), dbSNP rs774007232, ClinGen allele CA5571257.